The following is an entry in ClinVar:

NM_005236.3(ERCC4):c.850T>C (p.Leu284=)

Gene: ERCC4 (ERCC excision repair 4, endonuclease catalytic subunit; plus strand). Cytogenetic location: 16p13.12.
Variant type: single nucleotide variant.
Coding change: c.850T>C on transcript NM_005236.3 (MANE Select); coding-DNA position 850, T replaced by C.
Protein change: p.Leu284=; no amino-acid change (leucine 284 retained).
Molecular consequence: synonymous variant.
Genome position (GRCh38, 1-based): chr16:13,930,767, T>C. VCF-style: chr16-13930767-T-C. GRCh37 (hg19) VCF-style: chr16-14024624-T-C.
Identifiers: ClinVar variation 2646238 (VCV002646238.24), dbSNP rs2032156864, ClinGen allele CA493427852.

ClinVar aggregate classification (germline): Likely benign (1 of 4 stars; one submission).

Submission:

CeGaT Center for Human Genetics Tuebingen
Classification: Likely benign. Last evaluated: 2022-09-01. Review status: criteria provided, single submitter. Criteria: CeGaT Center For Human Genetics Tuebingen Variant Classification Criteria Version 2. Collection method: clinical testing. Allele origin: germline. Affected: yes. Observed: 1 variant allele.
Comment: ERCC4: PM2:Supporting, BP4, BP7